The following is an entry in ClinVar:

ClinVar aggregate classification (germline): Benign/Likely benign. Review status: criteria provided, multiple submitters, no conflicts (2 of 4 stars). 3 submissions from 3 submitters: Benign (1); Likely benign (2). Last evaluated 2026-01-09.

Conditions:
FRAS1-related disorder. Also called: FRAS1-related condition.

Allele frequency attached by ClinVar (database versions not stated): gnomAD exomes 0.00032; ExAC 0.00038; gnomAD 0.00116 and 0.00123; TOPMed 0.00126; ESP Exome Variant Server 0.00128; 1000 Genomes Project 0.00160; 1000 Genomes Project 30x 0.00172.
gnomAD v4.1: 347 of 1,612,626 alleles (0.022%); highest among the groups gnomAD compares: African/African-American, 0.42%; no homozygotes.

Submissions (3):

Labcorp Genetics (formerly Invitae), Labcorp
Classification: Benign. Last evaluated: 2026-01-09. Review status: criteria provided, single submitter. Criteria: Invitae Variant Classification Sherloc (09022015). Collection method: clinical testing. Allele origin: germline.

PreventionGenetics, part of Exact Sciences
Classification: Likely benign for FRAS1-related condition. Last evaluated: 2025-01-11. Review status: criteria provided, single submitter. Criteria: ACMG Guidelines, 2015. Collection method: clinical testing. Allele origin: germline.
Comment: This variant is classified as likely benign based on ACMG/AMP sequence variant interpretation guidelines (Richards et al. 2015 PMID: 25741868, with internal and published modifications).

Blueprint Genetics
Classification: Likely benign. Last evaluated: 2024-07-04. Review status: criteria provided, single submitter. Criteria: ACMG Guidelines, 2015. Collection method: clinical testing. Allele origin: germline.

NM_025074.7(FRAS1):c.4656G>A (p.Glu1552=)

Gene: FRAS1 (Fraser extracellular matrix complex subunit 1; plus strand). Cytogenetic location: 4q21.21.
Variant type: single nucleotide variant.
Coding change: c.4656G>A on transcript NM_025074.7 (MANE Select); coding-DNA position 4656, G replaced by A.
Protein change: p.Glu1552=; no amino-acid change (glutamic acid 1552 retained).
Molecular consequence: synonymous variant.
Genome position (GRCh38, 1-based): chr4:78,421,978, G>A. VCF-style: chr4-78421978-G-A. GRCh37 (hg19) VCF-style: chr4-79343132-G-A.
Other names: c.4656G>A, p.Glu1552= (NM_001166133.2).
Identifiers: ClinVar variation 697980 (VCV000697980.11), dbSNP rs184915830, ClinGen allele CA2977268.